The following is an entry in ClinVar:

NM_006231.4(POLE):c.3378+11G>C

Gene: POLE (DNA polymerase epsilon, catalytic subunit; minus strand). Cytogenetic location: 12q24.33.
Variant type: single nucleotide variant.
Coding change: c.3378+11G>C on transcript NM_006231.4 (MANE Select); 11 bases into the intron after coding-DNA position 3378, G replaced by C.
Molecular consequence: intron variant.
Genome position (GRCh38, 1-based): chr12:132,657,857, C>G on the plus strand (G>C on the coding strand, the complement: POLE is on the minus strand). VCF-style: chr12-132657857-C-G. GRCh37 (hg19) VCF-style: chr12-133234443-C-G.
Identifiers: ClinVar variation 517937 (VCV000517937.8), dbSNP rs1281293430, ClinGen allele CA608269977.
Genomic context (GRCh38, chr12:132,657,857, plus strand): 5'-CTCAGACATATTCTGCTCTGTCTAGCTTTCCTTGTAAACTTTTAAGAGTAGAGAACGCAA[C>G]TGGCACTCACTGCTCGAATATCAAAGTCTTGAAGGGAAGAGCTCTTGAGCCATTTCCGGA-3'

ClinVar aggregate classification (germline): Likely benign. Review status: criteria provided, multiple submitters, no conflicts (2 of 4 stars). 2 submissions from 2 submitters: Likely benign (2). Last evaluated 2025-11-25.

Allele frequency attached by ClinVar (database versions not stated): gnomAD exomes below 0.00001 and 0.00001.
gnomAD v4.1: 3 of 1,569,820 alleles (0.00019%); highest among the groups gnomAD compares: Non-Finnish European, 0.000088%; no homozygotes.

Submissions (2):

Labcorp Genetics (formerly Invitae), Labcorp
Classification: Likely benign. Last evaluated: 2025-11-25. Review status: criteria provided, single submitter. Criteria: Invitae Variant Classification Sherloc (09022015). Collection method: clinical testing. Allele origin: germline.

GeneDx
Classification: Likely benign. Last evaluated: 2017-06-05. Review status: criteria provided, single submitter. Criteria: GeneDx Variant Classification (06012015). Collection method: clinical testing. Allele origin: germline. Affected: yes.
Comment: This variant is considered likely benign or benign based on one or more of the following criteria: it is a conservative change, it occurs at a poorly conserved position in the protein, it is predicted to be benign by multiple in silico algorithms, and/or has population frequency not consistent with disease.